The following is an entry in ClinVar:

ClinVar aggregate classification (germline): Likely benign (1 of 4 stars; one submission).

Conditions:
PLEC-related disorder. Also called: PLEC-related disorders; PLEC-related condition.

Submission:

PreventionGenetics, part of Exact Sciences
Classification: Likely benign for PLEC-related condition. Last evaluated: 2026-05-13. Review status: criteria provided, single submitter. Criteria: ACMG Guidelines, 2015. Collection method: clinical testing. Allele origin: germline.
Comment: This variant is classified as likely benign based on ACMG/AMP sequence variant interpretation guidelines (Richards et al. 2015 PMID: 25741868, with internal and published modifications).

NM_201384.3(PLEC):c.12555C>G (p.Ser4185=)

Gene: PLEC (plectin; minus strand). Cytogenetic location: 8q24.3.
Variant type: single nucleotide variant.
Coding change: c.12555C>G on transcript NM_201384.3 (MANE Select); coding-DNA position 12555, C replaced by G.
Protein change: p.Ser4185=; no amino-acid change (serine 4185 retained).
Molecular consequence: synonymous variant.
Genome position (GRCh38, 1-based): chr8:143,917,266, G>C on the plus strand (C>G on the coding strand, the complement: PLEC is on the minus strand). VCF-style: chr8-143917266-G-C. GRCh37 (hg19) VCF-style: chr8-144991434-G-C.
Other names: c.12567C>G, p.Ser4189= (NM_201383.3); c.12636C>G, p.Ser4212= (NM_000445.5); c.9255C>G, p.Ser3085= (NM_001410941.1); c.12513C>G, p.Ser4171= (NM_201378.4); c.12489C>G, p.Ser4163= (NM_201379.3); c.12966C>G, p.Ser4322= (NM_201380.4); c.12459C>G, p.Ser4153= (NM_201381.3); c.12555C>G, p.Ser4185= (NM_201382.4).
Identifiers: ClinVar variation 4989754 (VCV004989754.1).